The following is an entry in ClinVar:

ClinVar aggregate classification (germline): Likely benign. Review status: criteria provided, multiple submitters, no conflicts (2 of 4 stars). 3 submissions from 3 submitters: Likely benign (3). Last evaluated 2025-12-29.

Conditions:
KANK2-related disorder. Also called: KANK2-related condition.

Allele frequency attached by ClinVar (database versions not stated): gnomAD exomes 0.00014 and 0.00032; ExAC 0.00042; 1000 Genomes Project 0.00120; gnomAD 0.00128 and 0.00139; 1000 Genomes Project 30x 0.00141; TOPMed 0.00160; ESP Exome Variant Server 0.00185.
gnomAD v4.1: 409 of 1,604,326 alleles (0.025%); highest among the groups gnomAD compares: African/African-American, 0.49%; 2 homozygotes.

Submissions (3):

Labcorp Genetics (formerly Invitae), Labcorp
Classification: Likely benign. Last evaluated: 2025-12-29. Review status: criteria provided, single submitter. Criteria: Invitae Variant Classification Sherloc (09022015). Collection method: clinical testing. Allele origin: germline.

PreventionGenetics, part of Exact Sciences
Classification: Likely benign for KANK2-related condition. Last evaluated: 2025-10-13. Review status: criteria provided, single submitter. Criteria: ACMG Guidelines, 2015. Collection method: clinical testing. Allele origin: germline.
Comment: This variant is classified as likely benign based on ACMG/AMP sequence variant interpretation guidelines (Richards et al. 2015 PMID: 25741868, with internal and published modifications).

Breakthrough Genomics
Classification: Likely benign. Review status: criteria provided, single submitter. Criteria: ACMG Guidelines, 2015. Collection method: not provided. Allele origin: germline. Inheritance: Autosomal recessive inheritance. Affected: yes.

NM_001136191.3(KANK2):c.1411G>A (p.Gly471Ser)

Gene: KANK2 (KN motif and ankyrin repeat domains 2; minus strand). Cytogenetic location: 19p13.2.
Variant type: single nucleotide variant.
Coding change: c.1411G>A on transcript NM_001136191.3 (MANE Select); coding-DNA position 1411, G replaced by A.
Protein change: p.Gly471Ser; replaces glycine 471 with serine.
Molecular consequence: missense variant.
Genome position (GRCh38, 1-based): chr19:11,178,559, C>T on the plus strand (G>A on the coding strand, the complement: KANK2 is on the minus strand). VCF-style: chr19-11178559-C-T. GRCh37 (hg19) VCF-style: chr19-11289235-C-T.
Other names: c.1411G>A, p.Gly471Ser (NM_001379552.1, NM_001379553.1, NM_001379554.1 and 15 more transcripts); c.1411G>A (NM_015493.6); short protein forms G471S.
Identifiers: ClinVar variation 709957 (VCV000709957.10), dbSNP rs148825252, ClinGen allele CA9205709.